The following is an entry in ClinVar:

ClinVar aggregate classification (germline): Uncertain significance (1 of 4 stars; one submission).

Conditions:
Hereditary cancer-predisposing syndrome. Also called: Neoplastic Syndromes, Hereditary; Hereditary Cancer Syndrome; Hereditary neoplastic syndrome; Tumor predisposition. Identifiers: Orphanet 140162, MedGen C0027672, MeSH D009386, MONDO:0015356.

Submission:

Labcorp Genetics (formerly Invitae), Labcorp
Classification: Uncertain significance for Hereditary cancer-predisposing syndrome. Last evaluated: 2022-03-03. Review status: criteria provided, single submitter. Criteria: Invitae Variant Classification Sherloc (09022015). Collection method: clinical testing. Allele origin: germline.
Comment: In summary, the available evidence is currently insufficient to determine the role of this variant in disease. Therefore, it has been classified as a Variant of Uncertain Significance. Algorithms developed to predict the effect of missense changes on protein structure and function are either unavailable or do not agree on the potential impact of this missense change (SIFT: "Tolerated"; PolyPhen-2: "Possibly Damaging"; Align-GVGD: "Class C0"). This variant has not been reported in the literature in individuals affected with RAD50-related conditions. This variant is not present in population databases (gnomAD no frequency). This sequence change replaces lysine, which is basic and polar, with isoleucine, which is neutral and non-polar, at codon 583 of the RAD50 protein (p.Lys583Ile).

NM_005732.4(RAD50):c.1748A>T (p.Lys583Ile)

Gene: RAD50 (RAD50 double strand break repair protein; plus strand). Cytogenetic location: 5q31.1.
Variant type: single nucleotide variant.
Coding change: c.1748A>T on transcript NM_005732.4 (MANE Select); coding-DNA position 1748, A replaced by T.
Protein change: p.Lys583Ile; replaces lysine 583 with isoleucine.
Molecular consequence: missense variant.
Genome position (GRCh38, 1-based): chr5:132,591,989, A>T. VCF-style: chr5-132591989-A-T. GRCh37 (hg19) VCF-style: chr5-131927681-A-T.
Other names: short protein forms K583I.
Identifiers: ClinVar variation 2106322 (VCV002106322.4), dbSNP rs1580994941, ClinGen allele CA360946609.